The following is an entry in ClinVar:

ClinVar aggregate classification (germline): Uncertain significance (1 of 4 stars; one submission).

Allele frequency attached by ClinVar (database versions not stated): TOPMed 0.00003; ExAC 0.00004; gnomAD 0.00005; gnomAD exomes 0.00005.

Submission:

Labcorp Genetics (formerly Invitae), Labcorp
Classification: Uncertain significance. Last evaluated: 2025-04-10. Review status: criteria provided, single submitter. Criteria: Invitae Variant Classification Sherloc (09022015). Collection method: clinical testing. Allele origin: germline.
Comment: This sequence change replaces arginine, which is basic and polar, with tryptophan, which is neutral and slightly polar, at codon 93 of the CAPN5 protein (p.Arg93Trp). This variant is present in population databases (rs782477592, gnomAD 0.02%). This variant has not been reported in the literature in individuals affected with CAPN5-related conditions. ClinVar contains an entry for this variant (Variation ID: 1924212). Invitae Evidence Modeling of protein sequence and biophysical properties (such as structural, functional, and spatial information, amino acid conservation, physicochemical variation, residue mobility, and thermodynamic stability) indicates that this missense variant is not expected to disrupt CAPN5 protein function with a negative predictive value of 80%. In summary, the available evidence is currently insufficient to determine the role of this variant in disease. Therefore, it has been classified as a Variant of Uncertain Significance.

NM_004055.5(CAPN5):c.277C>T (p.Arg93Trp)

Gene: CAPN5 (calpain 5; plus strand). Cytogenetic location: 11q13.5.
Variant type: single nucleotide variant.
Coding change: c.277C>T on transcript NM_004055.5 (MANE Select); coding-DNA position 277, C replaced by T.
Protein change: p.Arg93Trp; replaces arginine 93 with tryptophan.
Molecular consequence: missense variant.
Genome position (GRCh38, 1-based): chr11:77,093,793, C>T. VCF-style: chr11-77093793-C-T. GRCh37 (hg19) VCF-style: chr11-76804839-C-T.
Other names: short protein forms R93W.
Identifiers: ClinVar variation 1924212 (VCV001924212.5), dbSNP rs782477592, ClinGen allele CA6196218.
Genomic context (GRCh38, chr11:77,093,793, plus strand): 5'-CTGCACCAGGGCCAGGTGGGCAACTGCTGGTTTGTGGCAGCCTGCTCGTCACTTGCCTCC[C>T]GGGAGTCGCTGTGGCAAAAGGTGAGGCCTCGGGCAGAGTGGGCAGGGTGCTGGGGAGTGT-3'
Protein context (NP_004046.2, residues 83-103): FVAACSSLAS[Arg93Trp]ESLWQKVIPD